The following is an entry in ClinVar:

NM_000321.3(RB1):c.1367T>C (p.Val456Ala)

Gene: RB1 (RB transcriptional corepressor 1; plus strand). Cytogenetic location: 13q14.2.
Variant type: single nucleotide variant.
Coding change: c.1367T>C on transcript NM_000321.3 (MANE Select); coding-DNA position 1367, T replaced by C.
Protein change: p.Val456Ala; replaces valine 456 with alanine.
Molecular consequence: missense variant.
Genome position (GRCh38, 1-based): chr13:48,379,628, T>C. VCF-style: chr13-48379628-T-C. GRCh37 (hg19) VCF-style: chr13-48953764-T-C.
Other names: c.1367T>C, p.Val456Ala (NM_001407165.1, NM_001407166.1); short protein forms V456A.
Identifiers: ClinVar variation 4795588 (VCV004795588.1).

ClinVar aggregate classification (germline): Uncertain significance (1 of 4 stars; one submission).

Submission:

GeneDx
Classification: Uncertain significance. Last evaluated: 2025-08-12. Review status: criteria provided, single submitter. Criteria: GeneDx Variant Classification Process June 2021. Collection method: clinical testing. Allele origin: germline. Affected: yes.
Comment: Not observed at significant frequency in large population cohorts (gnomAD); In silico analysis supports that this missense variant has a deleterious effect on protein structure/function; Has not been previously published as pathogenic or benign to our knowledge; This variant is associated with the following publications: (PMID: 23516486)